The following is an entry in ClinVar:

NM_004304.5(ALK):c.3328G>A (p.Glu1110Lys)

Gene: ALK (ALK receptor tyrosine kinase; minus strand). Cytogenetic location: 2p23.2.
Variant type: single nucleotide variant.
Coding change: c.3328G>A on transcript NM_004304.5 (MANE Select); coding-DNA position 3328, G replaced by A.
Protein change: p.Glu1110Lys; replaces glutamic acid 1110 with lysine.
Molecular consequence: missense variant.
Genome position (GRCh38, 1-based): chr2:29,223,373, C>T on the plus strand (G>A on the coding strand, the complement: ALK is on the minus strand). VCF-style: chr2-29223373-C-T. GRCh37 (hg19) VCF-style: chr2-29446239-C-T.
Other names: c.124G>A, p.Glu42Lys (NM_001353765.2); c.3328G>A (NM_004304.4); short protein forms E42K, E1110K.
Identifiers: ClinVar variation 2099635 (VCV002099635.5), dbSNP rs1363291878, ClinGen allele CA346464701.

ClinVar aggregate classification (germline): Uncertain significance. Review status: criteria provided, multiple submitters, no conflicts (2 of 4 stars). 2 submissions from 2 submitters: Uncertain significance (2). Last evaluated 2025-11-12.

Conditions:
Neuroblastoma, susceptibility to, 3. Also called: ALK-Related Neuroblastic Tumor Susceptibility. Identifiers: Orphanet 635, MedGen C2751681, MONDO:0013083, OMIM 613014.
Hereditary cancer-predisposing syndrome. Also called: Hereditary Cancer Syndrome; Tumor predisposition; Neoplastic Syndromes, Hereditary; Hereditary neoplastic syndrome. Identifiers: Orphanet 140162, MedGen C0027672, MeSH D009386, MONDO:0015356.

Allele frequency attached by ClinVar (database versions not stated): gnomAD exomes below 0.00001.
gnomAD v4.1: 2 of 1,614,186 alleles (0.00012%); highest among the groups gnomAD compares: Non-Finnish European, 0.00017%; no homozygotes.

Submissions (2):

Ambry Genetics
Classification: Uncertain significance for Hereditary cancer-predisposing syndrome. Last evaluated: 2025-11-12. Review status: criteria provided, single submitter. Criteria: Ambry Variant Classification Scheme 2023. Collection method: clinical testing. Allele origin: germline.
Comment: The p.E1110K variant (also known as c.3328G>A), located in coding exon 20 of the ALK gene, results from a G to A substitution at nucleotide position 3328. The glutamic acid at codon 1110 is replaced by lysine, an amino acid with similar properties. This amino acid position is highly conserved in available vertebrate species. In addition, this alteration is predicted to be deleterious by in silico analysis. Based on the available evidence, the clinical significance of this variant remains unclear.

Labcorp Genetics (formerly Invitae), Labcorp
Classification: Uncertain significance for Neuroblastoma, susceptibility to, 3. Last evaluated: 2024-11-12. Review status: criteria provided, single submitter. Criteria: Invitae Variant Classification Sherloc (09022015). Collection method: clinical testing. Allele origin: germline.
Comment: This sequence change replaces glutamic acid, which is acidic and polar, with lysine, which is basic and polar, at codon 1110 of the ALK protein (p.Glu1110Lys). This variant is present in population databases (no rsID available, gnomAD 0.0009%). This variant has not been reported in the literature in individuals affected with ALK-related conditions. ClinVar contains an entry for this variant (Variation ID: 2099635). An algorithm developed to predict the effect of missense changes on protein structure and function (PolyPhen-2) suggests that this variant is likely to be disruptive. In summary, the available evidence is currently insufficient to determine the role of this variant in disease. Therefore, it has been classified as a Variant of Uncertain Significance.